The following is an entry in ClinVar:

ClinVar aggregate classification (germline): Uncertain significance (1 of 4 stars; one submission).

Conditions:
Alpha thalassemia-X-linked intellectual disability syndrome (ATRX). Also called: ALPHA-THALASSEMIA/MENTAL RETARDATION SYNDROME, X-LINKED; ATR, NONDELETION TYPE; ATR-X syndrome; Alpha thalassemia mental retardation syndrome, nondeletion type, X-linked; XLMR hypotonic face syndrome; X-linked alpha-thalassemia-mental retardation syndrome. Identifiers: Orphanet 847, MedGen C1845055, MONDO:0010519, OMIM 301040.

Submission:

Labcorp Genetics (formerly Invitae), Labcorp
Classification: Uncertain significance for Alpha thalassemia-X-linked intellectual disability syndrome. Last evaluated: 2025-12-22. Review status: criteria provided, single submitter. Criteria: Invitae Variant Classification Sherloc (09022015). Collection method: clinical testing. Allele origin: germline.
Comment: This sequence change replaces leucine, which is neutral and non-polar, with valine, which is neutral and non-polar, at codon 409 of the ATRX protein (p.Leu409Val). This variant is not present in population databases (gnomAD no frequency). This variant has not been reported in the literature in individuals affected with ATRX-related conditions. Invitae Evidence Modeling of protein sequence and biophysical properties (such as structural, functional, and spatial information, amino acid conservation, physicochemical variation, residue mobility, and thermodynamic stability) indicates that this missense variant is not expected to disrupt ATRX protein function with a negative predictive value of 95%. In summary, the available evidence is currently insufficient to determine the role of this variant in disease. Therefore, it has been classified as a Variant of Uncertain Significance.

NM_000489.6(ATRX):c.1225T>G (p.Leu409Val)

Gene: ATRX (ATRX chromatin remodeler; minus strand). Cytogenetic location: Xq21.1.
Variant type: single nucleotide variant.
Coding change: c.1225T>G on transcript NM_000489.6 (MANE Select); coding-DNA position 1225, T replaced by G.
Protein change: p.Leu409Val; replaces leucine 409 with valine.
Molecular consequence: missense variant.
Genome position (GRCh38, 1-based): chrX:77,684,031, A>C on the plus strand (T>G on the coding strand, the complement: ATRX is on the minus strand). VCF-style: chrX-77684031-A-C. GRCh37 (hg19) VCF-style: chrX-76939523-A-C.
Other names: c.1111T>G, p.Leu371Val (NM_138270.5); short protein forms L371V, L409V.
Identifiers: ClinVar variation 4801116 (VCV004801116.1).
Genomic context (GRCh38, chrX:77,684,031, plus strand): 5'-TATTTTTCTCTTTGTTTACAGCATCCATCGCTCGAAACTCGGAATTTAAGTCTTCTTCCA[A>C]TGCAAGATGAGCCTTCTTAATATCAGCCAACACAGACTTAAAAGCCTTAAGCTGACGTAA-3'
Protein context (NP_000480.3, residues 399-419): LADIKKAHLA[Leu409Val]EEDLNSEFRA